The following is an entry in ClinVar:

NM_001378454.1(ALMS1):c.9538C>T (p.Arg3180Ter)

Gene: ALMS1 (ALMS1 centrosome and basal body associated protein; plus strand). Cytogenetic location: 2p13.1.
Variant type: single nucleotide variant.
Coding change: c.9538C>T on transcript NM_001378454.1 (MANE Select); coding-DNA position 9538, C replaced by T.
Protein change: p.Arg3180Ter; replaces arginine 3180 with a stop codon.
Molecular consequence: nonsense.
Genome position (GRCh38, 1-based): chr2:73,491,497, C>T. VCF-style: chr2-73491497-C-T. GRCh37 (hg19) VCF-style: chr2-73718624-C-T.
Other names: c.9541C>T, p.Arg3181Ter (NM_015120.4); short protein forms R3181*, R3180*.
Identifiers: ClinVar variation 583154 (VCV000583154.8), dbSNP rs563393715, ClinGen allele CA50380732.

ClinVar aggregate classification (germline): Pathogenic. Review status: criteria provided, multiple submitters, no conflicts (2 of 4 stars). 3 submissions from 3 submitters: Pathogenic (2). 1 of the submissions does not count toward it. Last evaluated 2024-04-22.

Conditions:
Alstrom syndrome (ALMS). Identifiers: Orphanet 64, MedGen C0268425, MONDO:0008763, OMIM 203800.

gnomAD v4.1: 2 of 1,613,768 alleles (0.00012%); highest among the groups gnomAD compares: Non-Finnish European, 0.00017%; no homozygotes.

Submissions (3):

Natera, Inc.
Classification: Pathogenic for Alstrom syndrome. Last evaluated: 2024-04-22. Review status: criteria provided, single submitter. Criteria: Natera Variant Classification Schema (03/2026). Collection method: clinical testing. Allele origin: germline.
Comment: The c.9541C>T variant in ALMS1 is a nonsense variant predicted to introduce a stop codon at amino acid 3181. This variant is expected to result in nonsense mediated decay, truncation, or a dysfunctional protein product. This variant is rare in the general population with a frequency below the threshold expected for the associated phenotype(s). This variant has been observed in one or more individuals affected with the associated recessive disease, as either homozygous or compound heterozygous with a second variant (PMID: 26066530). Additionally, this variant has been observed to segregate in affected family members (PMID: 26066530). Given the available evidence, this variant is classified as Pathogenic.

Labcorp Genetics (formerly Invitae), Labcorp
Classification: Pathogenic for Alstrom syndrome. Last evaluated: 2022-07-11. Review status: criteria provided, single submitter. Criteria: Invitae Variant Classification Sherloc (09022015). Collection method: clinical testing. Allele origin: germline.
Comment: For these reasons, this variant has been classified as Pathogenic. Experimental studies and prediction algorithms are not available or were not evaluated, and the effect of this variant on mRNA splicing is currently unknown. ClinVar contains an entry for this variant (Variation ID: 583154). This premature translational stop signal has been observed in individual(s) with Alstrom syndrome (PMID: 17594715). This variant is not present in population databases (gnomAD no frequency). This sequence change creates a premature translational stop signal (p.Arg3181*) in the ALMS1 gene. It is expected to result in an absent or disrupted protein product. Loss-of-function variants in ALMS1 are known to be pathogenic (PMID: 17594715).

Laboratory of Genetics in Ophthalmology, Institut Imagine
Classification: Pathogenic for Alstrom syndrome. Review status: no assertion criteria provided. Collection method: research. Allele origin: inherited. Affected: yes. Observed: 2 variant alleles. Not counted in ClinVar's aggregate classification.

Literature cited by the submitters: PubMed 26066530 (cited by Natera, Inc.); PubMed 17594715 (cited by Labcorp Genetics (formerly Invitae), Labcorp).